The following is an entry in ClinVar:

NM_000059.4(BRCA2):c.8633-1G>A

Gene: BRCA2 (BRCA2 DNA repair associated; plus strand). Cytogenetic location: 13q13.1.
Variant type: single nucleotide variant.
Coding change: c.8633-1G>A on transcript NM_000059.4 (MANE Select); the canonical splice acceptor site of the intron before coding-DNA position 8633, G replaced by A.
Molecular consequence: splice acceptor variant.
Genome position (GRCh38, 1-based): chr13:32,376,669, G>A. VCF-style: chr13-32376669-G-A. GRCh37 (hg19) VCF-style: chr13-32950806-G-A.
Other names: IVS20-1G>A; c.8537-1G>A (NM_001406719.1); c.3701-1G>A (NM_001406721.1); c.2216-1G>A (NM_001406722.1); c.8633-1G>A (NM_001406720.1).
Identifiers: ClinVar variation 91731 (VCV000091731.21), dbSNP rs398122711, ClinGen allele CA025747.

ClinVar aggregate classification (germline): Pathogenic/Likely pathogenic. Review status: criteria provided, multiple submitters, no conflicts (2 of 4 stars). 9 submissions from 9 submitters: Pathogenic (5); Likely pathogenic (3). 1 of the submissions does not count toward it. Last evaluated 2026-09-01.

Conditions:
Hereditary cancer-predisposing syndrome. Also called: Neoplastic Syndromes, Hereditary; Hereditary neoplastic syndrome; Hereditary Cancer Syndrome; Tumor predisposition. Identifiers: Orphanet 140162, MedGen C0027672, MeSH D009386, MONDO:0015356.
Hereditary breast ovarian cancer syndrome. Also called: BRCA1- and BRCA2-Associated Hereditary Breast and Ovarian Cancer; Hereditary breast and ovarian cancer syndrome (HBOC); Hereditary breast and ovarian cancer syndrome; Hereditary breast and/or ovarian cancer syndrome; Breast and ovarian cancer; Hereditary breast and ovarian cancer. Identifiers: Orphanet 145, MedGen C0677776, MeSH D061325, MONDO:0003582. Disease mechanism: loss of function.
Breast-ovarian cancer, familial, susceptibility to, 2 (BROVCA2). Also called: BRCA2 Hereditary Breast and Ovarian Cancer. Identifiers: Orphanet 145, MedGen C2675520, MONDO:0012933, OMIM 612555. Disease mechanism: loss of function.
Familial cancer of breast. Also called: hereditary breast carcinoma; Hereditary breast cancer; BREAST CANCER, FAMILIAL. Identifiers: Orphanet 227535, MedGen C0346153, MONDO:0016419, OMIM 114480. Disease mechanism: loss of function.

Submissions (9):

Ambry Genetics
Classification: Pathogenic for Hereditary cancer-predisposing syndrome. Last evaluated: 2026-09-01. Review status: criteria provided, single submitter. Criteria: Ambry Variant Classification Scheme 2023. Collection method: clinical testing. Allele origin: germline.
Comment: The c.8633-1G>A intronic pathogenic mutation results from a G to A substitution one nucleotide upstream from coding exon 20 of the BRCA2 gene. Two saturation genome editing-based studies, including a haploid cell-survival assay and a humanized mouse embryonic stem cell line assay of drug response and survival, demonstrate that this nucleotide substitution is non-functional (Huang H et al. Nature, 2025 Feb;638:528-537; Sahu S et al. Nature, 2025 Feb;638:538-545). One functional study based in mouse embryonic stem cells reported this variant as non-functional (Biswas K et al. Cell Rep Methods, 2023 Nov;3:100628). This alteration was identified in a large, worldwide study of BRCA1/2 mutation positive families (Rebbeck TR et al. Hum Mutat, 2018 May;39:593-620). In addition, this variant was reported in 1/60,466 breast cancer cases and in 0/53,461 controls (Dorling et al. N Engl J Med 2021 02;384:428-439). This variant is considered to be rare based on population cohorts in the Genome Aggregation Database (gnomAD). This nucleotide position is highly conserved in available vertebrate species. In silico splice site analysis predicts that this alteration will weaken the native splice acceptor site and may result in the creation or strengthening of a novel splice acceptor site; however, direct evidence is insufficient at this time (Ambry internal data). Variants that disrupt the canonical splice site are expected to cause aberrant splicing, resulting in an abnormal protein or a transcript that is subject to nonsense-mediated mRNA decay. As such, this variant is classified as a disease-causing mutation.

Color Diagnostics, LLC DBA Color Health
Classification: Likely pathogenic for Hereditary cancer-predisposing syndrome. Last evaluated: 2025-06-13. Review status: criteria provided, single submitter. Criteria: ACMG Guidelines, 2015. Collection method: clinical testing. Allele origin: germline.
Comment: This variant causes a G to A nucleotide substitution at the -1 position of intron 20 of the BRCA2 gene. Splice site prediction tools predict that this variant may have a significant impact on RNA splicing. Functional studies have reported that this variant impacted BRCA2 function in a haploid cell proliferation assay and sensitivity assays to cisplatin and PARP inhibitor (PMID: 37922907, 39779848, 39779857) and was found to impact RNA splicing in mouse embryonic stem cells (PMID: 39779848). This variant has been reported in a suspected hereditary breast and ovarian cancer family and it has been detected in a breast cancer case-control meta-analysis in 1/60466 cases and 0/53461 unaffected individuals (PMID: 29446198, 33471991Leiden Open Variation Database DB-ID BRCA2_000839). A multifactorial analysis has reported likelihood ratios based on segregation, co-occurrence with a pathogenic variant and family history of 1.0152, 1.0757 and 1.1126, respectively (PMID: 31131967 ). This variant has not been identified in the general population by the Genome Aggregation Database (gnomAD). Based on the available evidence, this variant is classified as Likely Pathogenic.

Labcorp Genetics (formerly Invitae), Labcorp
Classification: Pathogenic for Hereditary breast ovarian cancer syndrome. Last evaluated: 2024-05-22. Review status: criteria provided, single submitter. Criteria: Invitae Variant Classification Sherloc (09022015). Collection method: clinical testing. Allele origin: germline.
Comment: This sequence change affects an acceptor splice site in intron 20 of the BRCA2 gene. RNA analysis indicates that disruption of this splice site induces altered splicing and may result in an absent or disrupted protein product. This variant is not present in population databases (gnomAD no frequency). Disruption of this splice site has been observed in individual(s) with increased risk of breast and/or ovarian cancers (PMID: 29446198). ClinVar contains an entry for this variant (Variation ID: 91731). Studies have shown that disruption of this splice site results in a 43 bp deletion at the beginning of exon 21 or a 93 bp insertion from intron 20 and introduces a premature termination codon (PMID: 16619214). The resulting mRNA is expected to undergo nonsense-mediated decay. For these reasons, this variant has been classified as Pathogenic.

Baylor Genetics
Classification: Likely pathogenic for Familial cancer of breast. Last evaluated: 2021-04-30. Review status: criteria provided, single submitter. Criteria: ACMG Guidelines, 2015. Collection method: clinical testing. Allele origin: unknown.

GeneDx
Classification: Likely pathogenic. Last evaluated: 2021-04-23. Review status: criteria provided, single submitter. Criteria: GeneDx Variant Classification Process June 2021. Collection method: clinical testing. Allele origin: germline. Affected: yes.
Comment: Canonical splice site variant predicted to result in a null allele in a gene for which loss-of-function is a known mechanism of disease; Not observed in large population cohorts (Lek 2016); Also known as 8861-1G>A; Observed in individuals undergoing hereditary breast and/or ovarian cancer testing (Rebbeck 2018); This variant is associated with the following publications: (PMID: 31447099, 31131967, 29446198)

Human Genome Sequencing Center Clinical Lab, Baylor College of Medicine
Classification: Pathogenic for Breast-ovarian cancer, familial, susceptibility to, 2. Last evaluated: 2017-05-25. Review status: criteria provided, single submitter. Criteria: ACMG Guidelines, 2015. Collection method: clinical testing. Allele origin: germline.
Comment: This c.8633-1G>A variant in the BRCA2 gene has not been observed in our cohort database nor has been detected in the ExAC database. This variant was however reported in ClinVar but the clinical presentation of the patients was not available. This variant affects the invariant acceptor splice site of intron 20 of the BRCA2 gene. While not validated for clinical use, computer-based algorithms predict this c.8633-1G>A variant change to disrupt the splice site. This variant is classified as pathogenic

Consortium of Investigators of Modifiers of BRCA1/2 (CIMBA), c/o University of Cambridge
Classification: Pathogenic for Breast-ovarian cancer, familial, susceptibility to, 2. Last evaluated: 2015-10-02. Review status: criteria provided, single submitter. Criteria: CIMBA Mutation Classification guidelines May 2016. Collection method: clinical testing. Allele origin: germline.

Quest Diagnostics Nichols Institute San Juan Capistrano
Classification: Pathogenic for Breast-ovarian cancer, familial, susceptibility to, 2. Last evaluated: 2015-07-30. Review status: criteria provided, single submitter. Criteria: Quest Diagnostics criteria. Collection method: clinical testing. Allele origin: germline. Inheritance: Autosomal dominant inheritance.

Sharing Clinical Reports Project (SCRP)
Classification: Likely pathogenic for Breast-ovarian cancer, familial 2. Last evaluated: 2010-03-15. Review status: no assertion criteria provided. Collection method: clinical testing. Allele origin: germline. Not counted in ClinVar's aggregate classification.

Literature cited by the submitters: PubMed 29446198 (cited by 3 submitters); PubMed 33471991 (cited by Ambry Genetics and Color Diagnostics, LLC DBA Color Health); PubMed 37922907 (cited by Ambry Genetics and Color Diagnostics, LLC DBA Color Health); PubMed 39779848 (cited by Ambry Genetics and Color Diagnostics, LLC DBA Color Health); PubMed 39779857 (cited by Ambry Genetics and Color Diagnostics, LLC DBA Color Health); PubMed 31131967 (cited by Color Diagnostics, LLC DBA Color Health); PubMed 16619214 (cited by Labcorp Genetics (formerly Invitae), Labcorp); PubMed 26295337 (cited by Quest Diagnostics Nichols Institute San Juan Capistrano).